The following is an entry in ClinVar:

NM_153252.5(BRWD3):c.3749T>C (p.Ile1250Thr)

Gene: BRWD3 (bromodomain and WD repeat domain containing 3; minus strand). Cytogenetic location: Xq21.1.
Variant type: single nucleotide variant.
Coding change: c.3749T>C on transcript NM_153252.5 (MANE Select); coding-DNA position 3749, T replaced by C.
Protein change: p.Ile1250Thr; replaces isoleucine 1250 with threonine.
Molecular consequence: missense variant.
Genome position (GRCh38, 1-based): chrX:80,689,826, A>G on the plus strand (T>C on the coding strand, the complement: BRWD3 is on the minus strand). VCF-style: chrX-80689826-A-G. GRCh37 (hg19) VCF-style: chrX-79945325-A-G.
Other names: c.3599T>C, p.Ile1200Thr (NM_001441339.1); short protein forms I1200T, I1250T.
Identifiers: ClinVar variation 5020282 (VCV005020282.1).

ClinVar aggregate classification (germline): Uncertain significance (1 of 4 stars; one submission).

Submission:

Dasa
Classification: Uncertain significance. Last evaluated: 2026-06-30. Review status: criteria provided, single submitter. Criteria: DASA Assertion Criteria. Collection method: clinical testing. Allele origin: germline.
Comment: NM_153252.5(BRWD3):c.3749T>C (p.Ile1250Thr) is a missense variant that results in the substitution of isoleucine with threonine. This variant is rare in population databases. The currently available literature and clinical evidence are not sufficient to establish a definitive association between this variant and the reported condition. Therefore, this variant is classified as a variant of uncertain significance.